The following is an entry in ClinVar:

NM_057175.5(NAA15):c.382C>T (p.Arg128Ter)

Gene: NAA15 (N-alpha-acetyltransferase 15, NatA auxiliary subunit; plus strand). Cytogenetic location: 4q31.1.
Variant type: single nucleotide variant.
Coding change: c.382C>T on transcript NM_057175.5 (MANE Select); coding-DNA position 382, C replaced by T.
Protein change: p.Arg128Ter; replaces arginine 128 with a stop codon.
Molecular consequence: nonsense.
Genome position (GRCh38, 1-based): chr4:139,341,049, C>T. VCF-style: chr4-139341049-C-T. GRCh37 (hg19) VCF-style: chr4-140262203-C-T.
Other names: short protein forms R128*.
Identifiers: ClinVar variation 521938 (VCV000521938.16), dbSNP rs1274633498, ClinGen allele CA358259926.

ClinVar aggregate classification (germline): Pathogenic. Review status: criteria provided, multiple submitters, no conflicts (2 of 4 stars). 8 submissions from 8 submitters: Pathogenic (8). Last evaluated 2026-01-20.

Conditions:
Intellectual developmental disorder, autosomal dominant 50, with behavioral abnormalities. Also called: MENTAL RETARDATION, AUTOSOMAL DOMINANT 50; Intellectual disability, autosomal dominant 50. Identifiers: MedGen C4540470, MONDO:0030916, OMIM 617787.
Inborn genetic diseases. Identifiers: MedGen C0950123, MeSH D030342.

Allele frequency attached by ClinVar (database versions not stated): gnomAD 0.00001.

Submissions (8):

Ambry Genetics
Classification: Pathogenic for Inborn genetic diseases. Last evaluated: 2026-01-20. Review status: criteria provided, single submitter. Criteria: Ambry Variant Classification Scheme 2023. Collection method: clinical testing. Allele origin: germline.
Comment: The c.382C>T (p.R128*) alteration, located in coding exon 4 of the NAA15 gene, consists of a C to T substitution at nucleotide position 382. This changes the amino acid from an arginine (R) to a stop codon at amino acid position 128. This alteration is expected to result in loss of function by premature protein truncation or nonsense-mediated mRNA decay. The Genome Aggregation Database (gnomAD) data for this variant is unreliable due to technical and/or biological issues; therefore, population frequency estimates were not considered. This variant was reported in individual(s) with features consistent with NAA15-related neurodevelopmental disorder; in at least one individual, it was determined to be de novo (Scocchia, 2019; Ambry internal data). Based on the available evidence, this alteration is classified as pathogenic.

Dasa
Classification: Pathogenic. Last evaluated: 2025-09-20. Review status: criteria provided, single submitter. Criteria: DASA Assertion Criteria. Collection method: clinical testing. Allele origin: germline.
Comment: NM_057175.5(NAA15):c.382C>T (p.Arg128*) introduces a premature termination codon leading to truncation of the protein. Loss-of-function is an established mechanism of disease for this gene. The variant has been reported in individuals with autosomal dominant intellectual disability, including de novo occurrence (PMID: 30792901, 36475376, 39039281). It is present at low frequency in population datasets. Based on the available data, this variant is classified as pathogenic.

3billion
Classification: Pathogenic for Intellectual developmental disorder, autosomal dominant 50, with behavioral abnormalities. Last evaluated: 2025-08-21. Review status: criteria provided, single submitter. Criteria: ACMG Guidelines, 2015. Collection method: clinical testing. Allele origin: germline. Affected: yes.
Comment: The variant is observed at an extremely low frequency in the gnomAD v4.1.0 dataset (total allele frequency: <0.001%). Predicted Consequence/Location: Stop-gained (nonsense): predicted to result in a loss or disruption of normal protein function through nonsense-mediated decay (NMD) or protein truncation. Multiple pathogenic variants are reported downstream of the variant. The variant has been reported at least twice as pathogenic with clinical assertions and evidence for the classification (ClinVar ID: VCV000521938 /PMID: 30792901 /3billion dataset). Therefore, this variant is classified as Pathogenic according to the recommendation of ACMG/AMP guideline.

Labcorp Genetics (formerly Invitae), Labcorp
Classification: Pathogenic. Last evaluated: 2024-03-15. Review status: criteria provided, single submitter. Criteria: Invitae Variant Classification Sherloc (09022015). Collection method: clinical testing. Allele origin: germline.
Comment: This sequence change creates a premature translational stop signal (p.Arg128*) in the NAA15 gene. It is expected to result in an absent or disrupted protein product. Loss-of-function variants in NAA15 are known to be pathogenic (PMID: 28191889, 29656860). The frequency data for this variant in the population databases is considered unreliable, as metrics indicate poor data quality at this position in the gnomAD database. This premature translational stop signal has been observed in individual(s) with NAA15-related conditions (PMID: 30792901, 33149276). ClinVar contains an entry for this variant (Variation ID: 521938). Algorithms developed to predict the effect of sequence changes on RNA splicing suggest that this variant may disrupt the consensus splice site. For these reasons, this variant has been classified as Pathogenic.

Laboratory of Medical Genetics, University of Torino
Classification: Pathogenic for Intellectual developmental disorder, autosomal dominant 50, with behavioral abnormalities. Last evaluated: 2022-11-29. Review status: criteria provided, single submitter. Criteria: ACMG Guidelines, 2015. Collection method: research. Allele origin: germline. Affected: yes. Study: NeuroWES.

GeneDx
Classification: Pathogenic. Last evaluated: 2022-04-15. Review status: criteria provided, single submitter. Criteria: GeneDx Variant Classification Process June 2021. Collection method: clinical testing. Allele origin: germline. Affected: yes.
Comment: Nonsense variant predicted to result in protein truncation or nonsense mediated decay in a gene for which loss-of-function is a known mechanism of disease; This variant is associated with the following publications: (PMID: 30792901)

Institute of Human Genetics Munich, TUM University Hospital
Classification: Pathogenic for Intellectual developmental disorder, autosomal dominant 50, with behavioral abnormalities. Last evaluated: 2022-03-02. Review status: criteria provided, single submitter. Criteria: Classification criteria August 2017. Collection method: clinical testing. Allele origin: de novo. Inheritance: Autosomal dominant inheritance. Affected: yes. Observed: 2 variant alleles.

Illumina Laboratory Services, Illumina
Classification: Pathogenic for Intellectual developmental disorder, autosomal dominant 50, with behavioral abnormalities. Last evaluated: 2018-05-14. Review status: criteria provided, single submitter. Criteria: ICSLVariantClassificationCriteria RUGD 01 April 2020. Collection method: clinical testing. Allele origin: unknown.
Comment: The NAA15 c.382C>T p.(Arg128Ter) nonsense variant is expected to result in the loss of normal protein function through either protein truncation or nonsense-mediated mRNA decay. To our knowledge, this variant has not been reported in the peer-reviewed literature. This variant is not observed in version 2.1.1 of the Genome Aggregation Database. Based on the available evidence, the c.382C>T p.(Arg128Ter) variant is classified as pathogenic for autosomal dominant intellectual developmental disorder with behavioral abnormalities.

Literature cited by the submitters: PubMed 30792901 (cited by 5 submitters); PubMed 39039281 (cited by Dasa); PubMed 36475376 (cited by Dasa); PubMed 28191889 (cited by Labcorp Genetics (formerly Invitae), Labcorp); PubMed 29656860 (cited by Labcorp Genetics (formerly Invitae), Labcorp); PubMed 33149276 (cited by Labcorp Genetics (formerly Invitae), Labcorp).